The following is an entry in ClinVar:

NM_002249.6(KCNN3):c.335dup (p.Ser113fs)

Gene: KCNN3 (potassium calcium-activated channel subfamily N member 3; minus strand). Cytogenetic location: 1q21.3.
Variant type: Duplication.
Coding change: c.335dup on transcript NM_002249.6 (MANE Select); coding-DNA position 335, one base duplicated (C; older notation c.335dupC).
Protein change: p.Ser113fs; shifts the reading frame from serine 113.
Molecular consequence: frameshift variant.
Genome position (GRCh38, 1-based): chr1:154,869,630, G duplicated on the plus strand (C on the coding strand, the reverse complement: KCNN3 is on the minus strand); the first of 7 consecutive G bases (chr1:154,869,630-154,869,636); duplicating any one gives the same sequence. VCF-style (leftmost placement, unchanged base first): chr1-154869629-A-AG. GRCh37 (hg19) VCF-style: chr1-154842105-A-AG.
Other names: c.335dup, p.Ser113fs (NM_001204087.2); short protein forms S113fs.
Identifiers: ClinVar variation 3368974 (VCV003368974.1).

ClinVar aggregate classification (germline): Uncertain significance (1 of 4 stars; one submission).

Submission:

GeneDx
Classification: Uncertain significance. Last evaluated: 2024-02-07. Review status: criteria provided, single submitter. Criteria: GeneDx Variant Classification Process June 2021. Collection method: clinical testing. Allele origin: germline. Affected: yes.
Comment: Frameshift variant predicted to result in protein truncation or nonsense mediated decay in a gene for which loss-of-function is not an established mechanism of disease; Has not been previously published as pathogenic or benign to our knowledge.